The following is an entry in ClinVar:

ClinVar aggregate classification (germline): Uncertain significance (1 of 4 stars; one submission).

Conditions:
Hereditary cancer-predisposing syndrome. Also called: Neoplastic Syndromes, Hereditary; Tumor predisposition; Hereditary neoplastic syndrome; Hereditary Cancer Syndrome. Identifiers: Orphanet 140162, MedGen C0027672, MeSH D009386, MONDO:0015356.

Submission:

Color Diagnostics, LLC DBA Color Health
Classification: Uncertain significance for Hereditary cancer-predisposing syndrome. Last evaluated: 2020-10-15. Review status: criteria provided, single submitter. Criteria: ACMG Guidelines, 2015. Collection method: clinical testing. Allele origin: germline.
Comment: This variant replaces six amino acids at positions 24-29 of the BRCA2 protein with five new amino acids. To our knowledge, functional studies have not been reported for this variant. This variant has not been reported in individuals affected with hereditary cancer in the literature. This variant has not been identified in the general population by the Genome Aggregation Database (gnomAD). The available evidence is insufficient to determine the role of this variant in disease conclusively. Therefore, this variant is classified as a Variant of Uncertain Significance.

NC_000013.11:g.32319081_32319094delinsTTTAAATAGAT

Gene: BRCA2 (BRCA2 DNA repair associated; plus strand). Cytogenetic location: 13q13.1.
Variant type: Indel.
Genome position: GRCh38 VCF-style: chr13-32319081-AGGACCAATAAGTC-TTTAAATAGAT. GRCh37 (hg19) VCF-style: chr13-32893218-AGGACCAATAAGTC-TTTAAATAGAT.
Other names: c.72_85delinsTTTAAATAGAT, p.Leu24_Leu29delinsPheLeuAsnArgPhe (LRG_293t1).
Identifiers: ClinVar variation 629159 (VCV000629159.4), dbSNP rs1566215664, ClinGen allele CA913188521.